The following is an entry in ClinVar:

ClinVar aggregate classification (germline): Uncertain significance (1 of 4 stars; one submission).

Conditions:
Severe combined immunodeficiency due to LCK deficiency. Also called: Immunodeficiency 22. Identifiers: Orphanet 280142, MedGen C4014233, MONDO:0014334, OMIM 615758.

Allele frequency attached by ClinVar (database versions not stated): gnomAD 0.00001; gnomAD exomes 0.00001; TOPMed 0.00003.
gnomAD v4.1: 12 of 1,613,734 alleles (0.00074%); highest among the groups gnomAD compares: African/African-American, 0.0013%; no homozygotes.

Submission:

Labcorp Genetics (formerly Invitae), Labcorp
Classification: Uncertain significance for Severe combined immunodeficiency due to LCK deficiency. Last evaluated: 2022-11-15. Review status: criteria provided, single submitter. Criteria: Invitae Variant Classification Sherloc (09022015). Collection method: clinical testing. Allele origin: germline.
Comment: This variant is not present in population databases (gnomAD no frequency). This sequence change replaces lysine, which is basic and polar, with asparagine, which is neutral and polar, at codon 84 of the LCK protein (p.Lys84Asn). This variant has not been reported in the literature in individuals affected with LCK-related conditions. In summary, the available evidence is currently insufficient to determine the role of this variant in disease. Therefore, it has been classified as a Variant of Uncertain Significance. Algorithms developed to predict the effect of missense changes on protein structure and function are either unavailable or do not agree on the potential impact of this missense change (SIFT: "Tolerated"; PolyPhen-2: "Possibly Damaging"; Align-GVGD: "Class C0"). ClinVar contains an entry for this variant (Variation ID: 657224).

NM_005356.5(LCK):c.252G>T (p.Lys84Asn)

Gene: LCK (LCK proto-oncogene, Src family tyrosine kinase; plus strand). Cytogenetic location: 1p35.2.
Variant type: single nucleotide variant.
Coding change: c.252G>T on transcript NM_005356.5 (MANE Select); coding-DNA position 252, G replaced by T.
Protein change: p.Lys84Asn; replaces lysine 84 with asparagine.
Molecular consequence: missense variant.
Genome position (GRCh38, 1-based): chr1:32,275,057, G>T. VCF-style: chr1-32275057-G-T. GRCh37 (hg19) VCF-style: chr1-32740658-G-T.
Other names: c.252G>T, p.Lys84Asn (NM_001042771.3, NM_001330468.2); short protein forms K84N.
Identifiers: ClinVar variation 657224 (VCV000657224.6), dbSNP rs1444115742, ClinGen allele CA339636687.